The following is an entry in ClinVar:

NM_000059.4(BRCA2):c.7007+1298A>C

Gene: BRCA2 (BRCA2 DNA repair associated; plus strand). Cytogenetic location: 13q13.1.
Variant type: single nucleotide variant.
Coding change: c.7007+1298A>C on transcript NM_000059.4 (MANE Select); 1298 bases into the intron after coding-DNA position 7007, A replaced by C.
Molecular consequence: intron variant.
Genome position (GRCh38, 1-based): chr13:32,348,194, A>C. VCF-style: chr13-32348194-A-C. GRCh37 (hg19) VCF-style: chr13-32922331-A-C.
Other names: IVS 13+1298A>C.
Identifiers: ClinVar variation 209727 (VCV000209727.2), dbSNP rs11571686, ClinGen allele CA276695.
Genomic context (GRCh38, chr13:32,348,194, plus strand): 5'-AGAAATAATGGAAGAATCATGAAAGTTCCCAGAATACAGAATAAAATGAAAAAAGGTATG[A>C]AAAGTCAATTCTGTGGATCTATCATCTGAAAATACAGAGTTTGAGAAGGAAGGCACAGAA-3'

ClinVar aggregate classification (germline): Benign. Review status: reviewed by expert panel (3 of 4 stars). 2 submissions from 2 submitters: Benign (1). 1 of the submissions does not count toward it. Last evaluated 2015-01-12.

Conditions:
Breast-ovarian cancer, familial, susceptibility to, 2 (BROVCA2). Also called: BRCA2 Hereditary Breast and Ovarian Cancer. Identifiers: Orphanet 145, MedGen C2675520, MONDO:0012933, OMIM 612555. Disease mechanism: loss of function.

Allele frequency attached by ClinVar (database versions not stated): 1000 Genomes Project 30x 0.05965; 1000 Genomes Project 0.06110; TOPMed 0.07272; gnomAD 0.08592 and 0.08652.
gnomAD v4.1: 13,170 of 152,158 alleles (8.7%); highest among the groups gnomAD compares: Non-Finnish European, 12%; 785 homozygotes.

Submissions (2):

Evidence-based Network for the Interpretation of Germline Mutant Alleles (ENIGMA)
Classification: Benign for Breast-ovarian cancer, familial 2. Last evaluated: 2015-01-12. Review status: reviewed by expert panel. Criteria: ENIGMA BRCA1/2 Classification Criteria (2015). Collection method: curation. Allele origin: germline.
Comment: Class 1 not pathogenic based on frequency >1% in an outbred sampleset. Frequency 0.0542 (Asian), 0.1319 (European), derived from 1000 genomes (2012-04-30).

Breakthrough Genomics
Classification: Benign. Review status: criteria provided, single submitter. Criteria: ACMG Guidelines, 2015. Collection method: not provided. Allele origin: germline. Inheritance: Autosomal recessive inheritance. Affected: yes. Not counted in ClinVar's aggregate classification.